The following is an entry in ClinVar:

ClinVar aggregate classification (germline): Likely benign. Review status: criteria provided, multiple submitters, no conflicts (2 of 4 stars). 4 submissions from 4 submitters: Likely benign (3). 1 of the submissions does not count toward it. Last evaluated 2024-10-04.

Conditions:
CKAP2L-related disorder. Also called: CKAP2L-related condition.

Allele frequency attached by ClinVar (database versions not stated): gnomAD exomes 0.00011 and 0.00018; ESP Exome Variant Server 0.00015; 1000 Genomes Project 30x 0.00016; ExAC 0.00016; TOPMed 0.00016; gnomAD 0.00017; 1000 Genomes Project 0.00020.
gnomAD v4.1: 190 of 1,614,176 alleles (0.012%); highest among the groups gnomAD compares: Middle Eastern, 0.033%; 1 homozygote.

Submissions (4):

Blueprint Genetics
Classification: Likely benign. Last evaluated: 2024-10-04. Review status: criteria provided, single submitter. Criteria: ACMG Guidelines, 2015. Collection method: clinical testing. Allele origin: germline.

Labcorp Genetics (formerly Invitae), Labcorp
Classification: Likely benign. Last evaluated: 2024-01-17. Review status: criteria provided, single submitter. Criteria: Invitae Variant Classification Sherloc (09022015). Collection method: clinical testing. Allele origin: germline.

CeGaT Center for Human Genetics Tuebingen
Classification: Likely benign. Last evaluated: 2023-06-01. Review status: criteria provided, single submitter. Criteria: CeGaT Center For Human Genetics Tuebingen Variant Classification Criteria Version 2. Collection method: clinical testing. Allele origin: germline. Affected: yes. Observed: 2 variant alleles.
Comment: CKAP2L: BP4, BP7

PreventionGenetics, part of Exact Sciences
Classification: Likely benign for CKAP2L-related condition. Last evaluated: 2019-07-23. Review status: no assertion criteria provided. Collection method: clinical testing. Allele origin: germline. Not counted in ClinVar's aggregate classification.
Comment: This variant is classified as likely benign based on ACMG/AMP sequence variant interpretation guidelines (Richards et al. 2015 PMID: 25741868, with internal and published modifications).

NM_152515.5(CKAP2L):c.384G>A (p.Ser128=)

Gene: CKAP2L (cytoskeleton associated protein 2L; minus strand). Cytogenetic location: 2q14.1.
Variant type: single nucleotide variant.
Coding change: c.384G>A on transcript NM_152515.5 (MANE Select); coding-DNA position 384, G replaced by A.
Protein change: p.Ser128=; no amino-acid change (serine 128 retained).
Molecular consequence: synonymous variant. On other transcripts: 5 prime UTR variant (1), non-coding transcript variant (1).
Genome position (GRCh38, 1-based): chr2:112,756,987, C>T on the plus strand (G>A on the coding strand, the complement: CKAP2L is on the minus strand). VCF-style: chr2-112756987-C-T. GRCh37 (hg19) VCF-style: chr2-113514564-C-T.
Other names: c.-112G>A (NM_001304361.2).
Identifiers: ClinVar variation 741301 (VCV000741301.33), dbSNP rs147582835, ClinGen allele CA1836849.
Genomic context (GRCh38, chr2:112,756,987, plus strand): 5'-TTTCAATTGCTCTATATTAAGTGACCCCACAGGTTTTCTTGACAGTTCTCCTGTTGTGGA[C>T]GATCCAGCTTCACACTGTTGAAAACTCTTGCTAGAAGGCTTAGAGTATGGGTTAGAAGAA-3'
Protein context (NP_689728.3, residues 118-138): SKSFQQCEAG[Ser128=]STTGELSRKP